The following is an entry in ClinVar:

NM_199420.4(POLQ):c.6935T>G (p.Ile2312Ser)

Gene: POLQ (DNA polymerase theta; minus strand). Cytogenetic location: 3q13.33.
Variant type: single nucleotide variant.
Coding change: c.6935T>G on transcript NM_199420.4 (MANE Select); coding-DNA position 6935, T replaced by G.
Protein change: p.Ile2312Ser; replaces isoleucine 2312 with serine.
Molecular consequence: missense variant.
Genome position (GRCh38, 1-based): chr3:121,467,551, A>C on the plus strand (T>G on the coding strand, the complement: POLQ is on the minus strand). VCF-style: chr3-121467551-A-C. GRCh37 (hg19) VCF-style: chr3-121186398-A-C.
Other names: short protein forms I2312S.
Identifiers: ClinVar variation 3422543 (VCV003422543.1).
Genomic context (GRCh38, chr3:121,467,551, plus strand): 5'-GAAGCTTCAAAGCTATCAGCCACCTTACCTGGGAAAGGCACAAAGGCATGTCGCATGCTA[A>C]TTGAAAATGGCATTCCTCTGTCTGCAGCTCTCTCCTCCATCTGTGCCTGGCATCTAGGAT-3'
Protein context (NP_955452.3, residues 2302-2322): RAADRGMPFS[Ile2312Ser]SMRHAFVPFP

ClinVar aggregate classification (germline): Uncertain significance (1 of 4 stars; one submission).

gnomAD v4.1: 1 of 1,614,030 alleles (0.000062%); no homozygotes.

Submission:

Ambry Genetics
Classification: Uncertain significance. Last evaluated: 2024-09-13. Review status: criteria provided, single submitter. Criteria: Ambry Variant Classification Scheme 2023. Collection method: clinical testing. Allele origin: germline.
Comment: The p.I2312S variant (also known as c.6935T>G), located in coding exon 24 of the POLQ gene, results from a T to G substitution at nucleotide position 6935. The isoleucine at codon 2312 is replaced by serine, an amino acid with dissimilar properties. This amino acid position is conserved. In addition, this alteration is predicted to be tolerated by in silico analysis. Based on the available evidence, the clinical significance of this variant remains unclear.